The following is an entry in ClinVar:

ClinVar aggregate classification (germline): Uncertain significance (1 of 4 stars; one submission).

Conditions:
Hereditary cancer-predisposing syndrome. Also called: Hereditary neoplastic syndrome; Neoplastic Syndromes, Hereditary; Tumor predisposition; Hereditary Cancer Syndrome. Identifiers: Orphanet 140162, MedGen C0027672, MeSH D009386, MONDO:0015356.

Submission:

Ambry Genetics
Classification: Uncertain significance for Hereditary cancer-predisposing syndrome. Last evaluated: 2025-06-26. Review status: criteria provided, single submitter. Criteria: Ambry Variant Classification Scheme 2023. Collection method: clinical testing. Allele origin: germline.
Comment: The p.E211A variant (also known as c.632A>C), located in coding exon 5 of the APC gene, results from an A to C substitution at nucleotide position 632. The glutamic acid at codon 211 is replaced by alanine, an amino acid with dissimilar properties. This amino acid position is highly conserved in available vertebrate species. In addition, in silico predictors for this gene do not accurately predict pathogenicity. Missense alterations in APC are not a common cause of disease (Spier I et al. Genet Med. 2024 Feb;26(2):100992). Based on the available evidence, the clinical significance of this variant remains unclear.

NM_000038.6(APC):c.632A>C (p.Glu211Ala)

Gene: APC (APC regulator of Wnt signaling pathway; plus strand). Cytogenetic location: 5q22.2.
Variant type: single nucleotide variant.
Coding change: c.632A>C on transcript NM_000038.6 (MANE Select); coding-DNA position 632, A replaced by C.
Protein change: p.Glu211Ala; replaces glutamic acid 211 with alanine.
Molecular consequence: missense variant. On other transcripts: 5 prime UTR variant (4), non-coding transcript variant (2).
Genome position (GRCh38, 1-based): chr5:112,780,890, A>C. VCF-style: chr5-112780890-A-C. GRCh37 (hg19) VCF-style: chr5-112116587-A-C.
Other names: c.455A>C, p.Glu152Ala (NM_001354900.2, NM_001354901.2, NM_001354905.2 and 1 more transcripts); c.662A>C, p.Glu221Ala (NM_001354902.2, NM_001407446.1, NM_001127511.3 and 1 more transcripts); c.632A>C, p.Glu211Ala (NM_001354903.2, NM_001407447.1, NM_001407448.1 and 16 more transcripts); c.557A>C, p.Glu186Ala (NM_001354904.2, NM_001407451.1, NM_001354898.2); c.-404A>C (NM_001354906.2, NM_001407470.1, NM_001407471.1 and 1 more transcripts); short protein forms E186A, E221A, E152A, E211A.
Identifiers: ClinVar variation 4118876 (VCV004118876.1).